The following is an entry in ClinVar:

ClinVar aggregate classification (germline): Uncertain significance (1 of 4 stars; one submission).

Submission:

Labcorp Genetics (formerly Invitae), Labcorp
Classification: Uncertain significance. Last evaluated: 2025-02-28. Review status: criteria provided, single submitter. Criteria: Invitae Variant Classification Sherloc (09022015). Collection method: clinical testing. Allele origin: germline.
Comment: This sequence change replaces serine, which is neutral and polar, with glycine, which is neutral and non-polar, at codon 763 of the KMT2A protein (p.Ser763Gly). Information on the frequency of this variant in the gnomAD database is not available, as this variant may be reported differently in the database. This variant has not been reported in the literature in individuals affected with KMT2A-related conditions. Experimental studies and prediction algorithms are not available or were not evaluated, and the functional significance of this variant is currently unknown. In summary, the available evidence is currently insufficient to determine the role of this variant in disease. Therefore, it has been classified as a Variant of Uncertain Significance.

NM_001197104.2(KMT2A):c.2286_2287delinsCG (p.Ser763Gly)

Gene: KMT2A (lysine methyltransferase 2A; plus strand). Cytogenetic location: 11q23.3.
Variant type: Indel.
Coding change: c.2286_2287delinsCG on transcript NM_001197104.2 (MANE Select); coding-DNA positions 2286 to 2287, TA replaced by CG.
Protein change: p.Ser763Gly; replaces serine 763 with glycine.
Molecular consequence: missense variant.
Genome position (GRCh38, 1-based): chr11:118,473,445-118,473,446, TA replaced by CG. VCF-style: chr11-118473445-TA-CG. GRCh37 (hg19) VCF-style: chr11-118344160-TA-CG.
Other names: c.2385_2386delinsCG, p.Ser796Gly (NM_001412597.1); c.2286_2287delinsCG, p.Ser763Gly (NM_005933.4); short protein forms S763G, S796G.
Identifiers: ClinVar variation 4711525 (VCV004711525.1).
Genomic context (GRCh38, chr11:118,473,445, plus strand): 5'-TCCTATTCGATCTGAACCAAGATCTCCTTCTCACTCCATGAGGACAAGAAGTGGAAGGCT[TA>CG]GTAGTTCTGAGCTCTCACCTCTCACCCCCCCGTCTTCTGTCTCTTCCTCGTTAAGCATTT-3'
Protein context (NP_001184033.1, residues 753-773): HSMRTRSGRL[Ser763Gly]SSELSPLTPP